The following is an entry in ClinVar:

NM_005529.7(HSPG2):c.9029C>T (p.Pro3010Leu)

Gene: HSPG2 (heparan sulfate proteoglycan 2; minus strand). Cytogenetic location: 1p36.12.
Variant type: single nucleotide variant.
Coding change: c.9029C>T on transcript NM_005529.7 (MANE Select); coding-DNA position 9029, C replaced by T.
Protein change: p.Pro3010Leu; replaces proline 3010 with leucine.
Molecular consequence: missense variant.
Genome position (GRCh38, 1-based): chr1:21,842,262, G>A on the plus strand (C>T on the coding strand, the complement: HSPG2 is on the minus strand). VCF-style: chr1-21842262-G-A. GRCh37 (hg19) VCF-style: chr1-22168755-G-A.
Other names: c.9032C>T, p.Pro3011Leu (NM_001291860.2); short protein forms P3011L, P3010L.
Identifiers: ClinVar variation 1495967 (VCV001495967.3), dbSNP rs1295123446, ClinGen allele CA338915636.

ClinVar aggregate classification (germline): Uncertain significance (1 of 4 stars; one submission).

Allele frequency attached by ClinVar (database versions not stated): gnomAD exomes below 0.00001 and 0.00001; gnomAD 0.00001 and 0.00003; TOPMed 0.00001.
gnomAD v4.1: 11 of 1,613,608 alleles (0.00068%); highest among the groups gnomAD compares: Admixed American, 0.005%; no homozygotes.

Submission:

Labcorp Genetics (formerly Invitae), Labcorp
Classification: Uncertain significance. Last evaluated: 2021-07-30. Review status: criteria provided, single submitter. Criteria: Invitae Variant Classification Sherloc (09022015). Collection method: clinical testing. Allele origin: germline.
Comment: This sequence change replaces proline with leucine at codon 3010 of the HSPG2 protein (p.Pro3010Leu). The proline residue is weakly conserved and there is a moderate physicochemical difference between proline and leucine. This variant is not present in population databases (ExAC no frequency). This variant has not been reported in the literature in individuals affected with HSPG2-related conditions. Algorithms developed to predict the effect of missense changes on protein structure and function output the following: SIFT: "Tolerated"; PolyPhen-2: "Benign"; Align-GVGD: "Class C0". The leucine amino acid residue is found in multiple mammalian species, which suggests that this missense change does not adversely affect protein function. In summary, the available evidence is currently insufficient to determine the role of this variant in disease. Therefore, it has been classified as a Variant of Uncertain Significance.